The following is an entry in ClinVar:

NM_203447.4(DOCK8):c.1404T>C (p.Val468=)

Gene: DOCK8 (dedicator of cytokinesis 8; plus strand). Cytogenetic location: 9p24.3.
Variant type: single nucleotide variant.
Coding change: c.1404T>C on transcript NM_203447.4 (MANE Select); coding-DNA position 1404, T replaced by C.
Protein change: p.Val468=; no amino-acid change (valine 468 retained).
Molecular consequence: synonymous variant.
Genome position (GRCh38, 1-based): chr9:336,700, T>C. VCF-style: chr9-336700-T-C. GRCh37 (hg19) VCF-style: chr9-336700-T-C.
Other names: c.1200T>C, p.Val400= (NM_001190458.2, NM_001193536.2).
Identifiers: ClinVar variation 3052605 (VCV003052605.2), dbSNP rs1326832428, ClinGen allele CA463682177.
Genomic context (GRCh38, chr9:336,700, plus strand): 5'-AGCCCTCTCCTTGGAGGAAAATGGGGTTGGATCCAACTTCAAAACCTCCACTCTGAGCGT[T>C]AGCAGCTTTTTCAAGCAGGTATCTCTTCACATTACAGTGTGTCTGGATTTTTCCCCATAC-3'
Protein context (NP_982272.2, residues 458-478): GSNFKTSTLS[Val468=]SSFFKQEGDR

ClinVar aggregate classification (germline): Likely benign (0 of 4 stars; one submission).

Conditions:
DOCK8-related disorder. Also called: DOCK8-related condition.

Allele frequency attached by ClinVar (database versions not stated): gnomAD exomes below 0.00001.
gnomAD v4.1: 1 of 1,614,038 alleles (0.000062%); highest among the groups gnomAD compares: South Asian, 0.0011%; no homozygotes.

Submission:

PreventionGenetics, part of Exact Sciences
Classification: Likely benign for DOCK8-related condition. Last evaluated: 2019-09-04. Review status: no assertion criteria provided. Collection method: clinical testing. Allele origin: germline.
Comment: This variant is classified as likely benign based on ACMG/AMP sequence variant interpretation guidelines (Richards et al. 2015 PMID: 25741868, with internal and published modifications).